The following is an entry in ClinVar:

ClinVar aggregate classification (germline): Uncertain significance (1 of 4 stars; one submission).

Conditions:
Inborn genetic diseases. Identifiers: MedGen C0950123, MeSH D030342.

Submission:

Ambry Genetics
Classification: Uncertain significance for Inborn genetic diseases. Last evaluated: 2025-04-20. Review status: criteria provided, single submitter. Criteria: Ambry Variant Classification Scheme 2023. Collection method: clinical testing. Allele origin: germline.
Comment: The p.Y282H variant (also known as c.844T>C), located in coding exon 6 of the BMPR2 gene, results from a T to C substitution at nucleotide position 844. The tyrosine at codon 282 is replaced by histidine, an amino acid with similar properties. This amino acid position is conserved. In addition, this alteration is predicted to be deleterious by in silico analysis. Based on the available evidence, the clinical significance of this variant remains unclear.

NM_001204.7(BMPR2):c.844T>C (p.Tyr282His)

Gene: BMPR2 (bone morphogenetic protein receptor type 2; plus strand). Cytogenetic location: 2q33.2.
Variant type: single nucleotide variant.
Coding change: c.844T>C on transcript NM_001204.7 (MANE Select); coding-DNA position 844, T replaced by C.
Protein change: p.Tyr282His; replaces tyrosine 282 with histidine.
Molecular consequence: missense variant.
Genome position (GRCh38, 1-based): chr2:202,519,044, T>C. VCF-style: chr2-202519044-T-C. GRCh37 (hg19) VCF-style: chr2-203383767-T-C.
Other names: short protein forms Y282H.
Identifiers: ClinVar variation 3992131 (VCV003992131.1).